The following is an entry in ClinVar:

NM_002299.4(LCT):c.62A>C (p.Asp21Ala)

Gene: LCT (lactase; minus strand). Cytogenetic location: 2q21.3.
Variant type: single nucleotide variant.
Coding change: c.62A>C on transcript NM_002299.4 (MANE Select); coding-DNA position 62, A replaced by C.
Protein change: p.Asp21Ala; replaces aspartic acid 21 with alanine.
Molecular consequence: missense variant.
Genome position (GRCh38, 1-based): chr2:135,837,108, T>G on the plus strand (A>C on the coding strand, the complement: LCT is on the minus strand). VCF-style: chr2-135837108-T-G. GRCh37 (hg19) VCF-style: chr2-136594678-T-G.
Other names: short protein forms D21A.
Identifiers: ClinVar variation 1972127 (VCV001972127.5), dbSNP rs770562053, ClinGen allele CA1888702.
Genomic context (GRCh38, chr2:135,837,108, plus strand): 5'-TGCAGCAAGTCATTGGTTAGAGGACCAGCGGTGGAAATGAAATTTCTATCAGACTCCCAG[T>G]CTGACCCCCAGCATGAAAAACTTAGCAGGGCAATAAAGACTACATGCCAAGACAGCTCCA-3'
Protein context (NP_002290.2, residues 11-31): ALLSFSCWGS[Asp21Ala]WESDRNFIST

ClinVar aggregate classification (germline): Uncertain significance (1 of 4 stars; one submission).

Allele frequency attached by ClinVar (database versions not stated): gnomAD exomes below 0.00001; ExAC 0.00001; TOPMed 0.00001.
gnomAD v4.1: 3 of 1,613,990 alleles (0.00019%); highest among the groups gnomAD compares: Non-Finnish European, 0.00025%; no homozygotes.

Submission:

Labcorp Genetics (formerly Invitae), Labcorp
Classification: Uncertain significance. Last evaluated: 2023-04-22. Review status: criteria provided, single submitter. Criteria: Invitae Variant Classification Sherloc (09022015). Collection method: clinical testing. Allele origin: germline.
Comment: In summary, the available evidence is currently insufficient to determine the role of this variant in disease. Therefore, it has been classified as a Variant of Uncertain Significance. An algorithm developed to predict the effect of missense changes on protein structure and function (PolyPhen-2) suggests that this variant is likely to be tolerated. ClinVar contains an entry for this variant (Variation ID: 1972127). This variant has not been reported in the literature in individuals affected with LCT-related conditions. This variant is present in population databases (rs770562053, gnomAD 0.002%). This sequence change replaces aspartic acid, which is acidic and polar, with alanine, which is neutral and non-polar, at codon 21 of the LCT protein (p.Asp21Ala).